The following is an entry in ClinVar:

NM_003937.3(KYNU):c.890C>T (p.Thr297Met)

Gene: KYNU (kynureninase; plus strand). Cytogenetic location: 2q22.2.
Variant type: single nucleotide variant.
Coding change: c.890C>T on transcript NM_003937.3 (MANE Select); coding-DNA position 890, C replaced by T.
Protein change: p.Thr297Met; replaces threonine 297 with methionine.
Molecular consequence: missense variant.
Genome position (GRCh38, 1-based): chr2:142,986,009, C>T. VCF-style: chr2-142986009-C-T. GRCh37 (hg19) VCF-style: chr2-143743578-C-T.
Other names: c.890C>T, p.Thr297Met (NM_001032998.2, NM_001199241.2); short protein forms T297M.
Identifiers: ClinVar variation 3370907 (VCV003370907.1).
Genomic context (GRCh38, chr2:142,986,009, plus strand): 5'-ATTTAAATGCAGGAGCAGGAGGAATTGCTGGTGCCTTCATTCATGAAAAGCATGCCCATA[C>T]GATTAAACCTGCGTGAGTACCATCTTCAGCTAATTCTTTGGTGATGAACAAATTAATTTG-3'
Protein context (NP_003928.1, residues 287-307): GAFIHEKHAH[Thr297Met]IKPALVGWFG

ClinVar aggregate classification (germline): Uncertain significance (1 of 4 stars; one submission).

Submission:

GeneDx
Classification: Uncertain significance. Last evaluated: 2024-03-11. Review status: criteria provided, single submitter. Criteria: GeneDx Variant Classification Process June 2021. Collection method: clinical testing. Allele origin: germline. Affected: yes.
Comment: De novo variant with confirmed parentage in a patient in published literature from a cohort of individuals with developmental disorders; however, detailed clinical information was not provided (PMID: 33057194); In silico analysis supports that this missense variant has a deleterious effect on protein structure/function; This variant is associated with the following publications: (PMID: 33057194, 35982159)